The following is an entry in ClinVar:

ClinVar aggregate classification (germline): Likely benign. Review status: criteria provided, multiple submitters, no conflicts (2 of 4 stars). 2 submissions from 2 submitters: Likely benign (2). Last evaluated 2025-11-02.

Conditions:
Early-infantile DEE. Also called: Early infantile epileptic encephalopathy with suppression bursts; Early infantile epileptic encephalopathy; Ohtahara syndrome. Identifiers: Orphanet 1934, MedGen C0393706, MONDO:0800491.

Allele frequency attached by ClinVar (database versions not stated): TOPMed 0.00001.
gnomAD v4.1: 19 of 1,613,658 alleles (0.0012%); highest among the groups gnomAD compares: Non-Finnish European, 0.0014%; no homozygotes.

Submissions (2):

Mayo Clinic Laboratories, Mayo Clinic
Classification: Likely benign. Last evaluated: 2025-11-02. Review status: criteria provided, single submitter. Criteria: ACMG Guidelines, 2015. Collection method: clinical testing. Allele origin: germline. Observed: 1 variant allele.
Comment: BS2, BP4, BP7

Labcorp Genetics (formerly Invitae), Labcorp
Classification: Likely benign for Early-infantile DEE. Last evaluated: 2023-02-20. Review status: criteria provided, single submitter. Criteria: Invitae Variant Classification Sherloc (09022015). Collection method: clinical testing. Allele origin: germline.

NM_172107.4(KCNQ2):c.393C>T (p.Ile131=)

Gene: KCNQ2 (potassium voltage-gated channel subfamily Q member 2; minus strand). Cytogenetic location: 20q13.33.
Variant type: single nucleotide variant.
Coding change: c.393C>T on transcript NM_172107.4 (MANE Select); coding-DNA position 393, C replaced by T.
Protein change: p.Ile131=; no amino-acid change (isoleucine 131 retained).
Molecular consequence: synonymous variant.
Genome position (GRCh38, 1-based): chr20:63,445,359, G>A on the plus strand (C>T on the coding strand, the complement: KCNQ2 is on the minus strand). VCF-style: chr20-63445359-G-A. GRCh37 (hg19) VCF-style: chr20-62076712-G-A.
Other names: p.Ile131=; c.393C>T, p.Ile131= (NM_001382235.1, NM_004518.6, NM_172106.3 and 2 more transcripts).
Identifiers: ClinVar variation 1984354 (VCV001984354.5), dbSNP rs753953009, ClinGen allele CA317462501.